The following is an entry in ClinVar:

ClinVar aggregate classification (germline): Uncertain significance (1 of 4 stars; one submission).

Conditions:
Malignant hyperthermia, susceptibility to, 5 (MHS5). Also called: CACNA1S-Related Malignant Hyperthermia Susceptibility. Identifiers: Orphanet 423, MedGen C1866077, MONDO:0011163, OMIM 601887.

Submission:

Color Diagnostics, LLC DBA Color Health
Classification: Uncertain significance for Malignant hyperthermia, susceptibility to, 5. Last evaluated: 2025-06-09. Review status: criteria provided, single submitter. Criteria: ACMG Guidelines, 2015. Collection method: clinical testing. Allele origin: germline.
Comment: This missense variant replaces aspartic acid with asparagine at codon 748 of the CACNA1S protein. Computational prediction suggests that this variant may not impact protein structure and function. To our knowledge, functional studies have not been reported for this variant. This variant has not been reported in individuals affected with CACNA1S-related disorders in the literature. This variant has not been identified in the general population by the Genome Aggregation Database (gnomAD). The available evidence is insufficient to determine the role of this variant in disease conclusively. Therefore, this variant is classified as a Variant of Uncertain Significance.

NM_000069.3(CACNA1S):c.2242G>A (p.Asp748Asn)

Gene: CACNA1S (calcium voltage-gated channel subunit alpha1 S; minus strand). Cytogenetic location: 1q32.1.
Variant type: single nucleotide variant.
Coding change: c.2242G>A on transcript NM_000069.3 (MANE Select); coding-DNA position 2242, G replaced by A.
Protein change: p.Asp748Asn; replaces aspartic acid 748 with asparagine.
Molecular consequence: missense variant.
Genome position (GRCh38, 1-based): chr1:201,070,390, C>T on the plus strand (G>A on the coding strand, the complement: CACNA1S is on the minus strand). VCF-style: chr1-201070390-C-T. GRCh37 (hg19) VCF-style: chr1-201039518-C-T.
Other names: short protein forms D748N.
Identifiers: ClinVar variation 4758809 (VCV004758809.1).